The following is an entry in ClinVar:

ClinVar aggregate classification (germline): Pathogenic (1 of 4 stars; one submission).

Conditions:
Familial focal epilepsy with variable foci (FPEVF). Identifiers: Orphanet 98820, MedGen C1858477, MONDO:0020310.

Submission:

Labcorp Genetics (formerly Invitae), Labcorp
Classification: Pathogenic for Familial focal epilepsy with variable foci. Last evaluated: 2023-10-13. Review status: criteria provided, single submitter. Criteria: Invitae Variant Classification Sherloc (09022015). Collection method: clinical testing. Allele origin: germline.
Comment: This sequence change creates a premature translational stop signal (p.Arg998Serfs*8) in the DEPDC5 gene. It is expected to result in an absent or disrupted protein product. Loss-of-function variants in DEPDC5 are known to be pathogenic (PMID: 23542697, 23542701). This variant is not present in population databases (gnomAD no frequency). This variant has not been reported in the literature in individuals affected with DEPDC5-related conditions. For these reasons, this variant has been classified as Pathogenic.

Literature cited by the submitters: PubMed 23542697; PubMed 23542701.

NM_001242896.3(DEPDC5):c.2994del (p.Arg998fs)

Gene: DEPDC5 (DEP domain containing 5, GATOR1 subcomplex subunit; plus strand). Cytogenetic location: 22q12.3.
Variant type: Deletion.
Coding change: c.2994del on transcript NM_001242896.3 (MANE Select); coding-DNA position 2994, one base deleted (G; older notation c.2994delG).
Protein change: p.Arg998fs; shifts the reading frame from arginine 998.
Molecular consequence: frameshift variant. On other transcripts: non-coding transcript variant (5).
Genome position (GRCh38, 1-based): chr22:31,845,210, G deleted; the last of 2 consecutive G bases (chr22:31,845,209-31,845,210); deleting either gives the same sequence. VCF-style (leftmost placement, unchanged base first): chr22-31845208-AG-A. GRCh37 (hg19) VCF-style: chr22-32241194-AG-A.
Other names: c.2967del, p.Arg989fs (NM_001136029.4, NM_001369903.1, NM_014662.6); c.2760del, p.Arg920fs (NM_001242897.2, NM_001363854.2, NM_001364319.2); c.2994del, p.Arg998fs (NM_001363852.2, NM_001364318.2, NM_001364320.2); c.2910del, p.Arg970fs (NM_001369901.1, NM_001369902.1); short protein forms R989fs, R998fs, R920fs, R970fs.
Identifiers: ClinVar variation 2856263 (VCV002856263.3), dbSNP rs2520192152, ClinGen allele CA2739267908.
Genomic context (GRCh38, chr22:31,845,208, plus strand): 5'-GACGAGTGGCAACTCCTGGATGGTTTTGTCCGCTTTGTGGAGGGCTTGAATCGCATTCGC[AG>A]GCGGCATCGCTCGGATCGCATGATGCGGGTAAGGGCTCCTTAGACTCAGGGAGTGCGCCT-3'